The following is an entry in ClinVar:

NM_001308093.3(GATA4):c.364_378dup (p.Ala126_Arg127insAlaAlaAlaAlaAla)

Gene: GATA4 (GATA binding protein 4). Cytogenetic location: 8p23.1.
Variant type: Duplication.
Coding change: c.364_378dup on transcript NM_001308093.3 (MANE Select); coding-DNA positions 364 to 378, 15 bases duplicated.
Protein change: p.Ala126_Arg127insAlaAlaAlaAlaAla.
Molecular consequence: intron variant (on NM_001308094.2).
Genome position: GRCh38 VCF-style: chr8-11708672-C-CGCCGCCGCTGCCGCG. GRCh37 (hg19) VCF-style: chr8-11566181-C-CGCCGCCGCTGCCGCG.
Other names: c.364_378dup, p.Ala126_Arg127insAlaAlaAlaAlaAla (NM_002052.5); c.-6+7898_-6+7912dup (NM_001308094.2); c.-3+662_-3+676dup (NM_001374274.1); c.-3+4372_-3+4386dup (NM_001374273.1).
Identifiers: ClinVar variation 3673294 (VCV003673294.2).

ClinVar aggregate classification (germline): Uncertain significance (1 of 4 stars; one submission).

Conditions:
Atrioventricular septal defect 4 (AVSD4). Identifiers: MedGen C3280781, MONDO:0013747, OMIM 614430.

Submission:

Labcorp Genetics (formerly Invitae), Labcorp
Classification: Uncertain significance for Atrioventricular septal defect 4. Last evaluated: 2024-03-06. Review status: criteria provided, single submitter. Criteria: Invitae Variant Classification Sherloc (09022015). Collection method: clinical testing. Allele origin: germline.
Comment: This variant, c.364_378dup, results in the insertion of 5 amino acid(s) of the GATA4 protein (p.Ala122_Ala126dup), but otherwise preserves the integrity of the reading frame. This variant is not present in population databases (gnomAD no frequency). This variant has not been reported in the literature in individuals affected with GATA4-related conditions. In summary, the available evidence is currently insufficient to determine the role of this variant in disease. Therefore, it has been classified as a Variant of Uncertain Significance.